The following is an entry in ClinVar:

ClinVar aggregate classification (germline): Conflicting classifications of pathogenicity. Review status: criteria provided, conflicting classifications (1 of 4 stars). 4 submissions from 4 submitters: Uncertain significance (1); Likely benign (2). 1 of the submissions does not count toward it. Last evaluated 2025-02-20.

Conditions:
Inborn genetic diseases. Identifiers: MedGen C0950123, MeSH D030342.
UNC45B-related disorder. Also called: UNC45B-related condition.

Allele frequency attached by ClinVar (database versions not stated): gnomAD exomes 0.00016 and 0.00038; ExAC 0.00037; 1000 Genomes Project 0.00140; 1000 Genomes Project 30x 0.00141; ESP Exome Variant Server 0.00146; gnomAD 0.00161 and 0.00173; TOPMed 0.00188.
gnomAD v4.1: 491 of 1,614,216 alleles (0.03%); highest among the groups gnomAD compares: African/African-American, 0.57%; no homozygotes.

Submissions (4):

Labcorp Genetics (formerly Invitae), Labcorp
Classification: Likely benign. Last evaluated: 2025-02-20. Review status: criteria provided, single submitter. Criteria: Invitae Variant Classification Sherloc (09022015). Collection method: clinical testing. Allele origin: germline.

Ambry Genetics
Classification: Uncertain significance for Inborn genetic diseases. Last evaluated: 2024-05-15. Review status: criteria provided, single submitter. Criteria: Ambry Variant Classification Scheme 2023. Collection method: clinical testing. Allele origin: germline.

Breakthrough Genomics
Classification: Likely benign. Review status: criteria provided, single submitter. Criteria: ACMG Guidelines, 2015. Collection method: not provided. Allele origin: germline. Inheritance: Autosomal recessive inheritance. Affected: yes.

PreventionGenetics, part of Exact Sciences
Classification: Benign for UNC45B-related condition. Last evaluated: 2020-06-05. Review status: no assertion criteria provided. Collection method: clinical testing. Allele origin: germline. Not counted in ClinVar's aggregate classification.
Comment: This variant is classified as benign based on ACMG/AMP sequence variant interpretation guidelines (Richards et al. 2015 PMID: 25741868, with internal and published modifications).

NM_001267052.2(UNC45B):c.2641G>A (p.Ala881Thr)

Gene: UNC45B (unc-45 myosin chaperone B; plus strand). Cytogenetic location: 17q12.
Variant type: single nucleotide variant.
Coding change: c.2641G>A on transcript NM_001267052.2 (MANE Select); coding-DNA position 2641, G replaced by A.
Protein change: p.Ala881Thr; replaces alanine 881 with threonine.
Molecular consequence: missense variant.
Genome position (GRCh38, 1-based): chr17:35,186,410, G>A. VCF-style: chr17-35186410-G-A. GRCh37 (hg19) VCF-style: chr17-33513429-G-A.
Other names: c.2641G>A, p.Ala881Thr (NM_001033576.2); c.2404G>A, p.Ala802Thr (NM_001308281.1); c.2647G>A, p.Ala883Thr (NM_173167.3); c.2647G>A (NM_173167.2); short protein forms A883T, A802T, A881T.
Identifiers: ClinVar variation 730617 (VCV000730617.10), dbSNP rs144969600, ClinGen allele CA8501610.